The following is an entry in ClinVar:

ClinVar aggregate classification (germline): Uncertain significance (1 of 4 stars; one submission).

Submission:

Mayo Clinic Laboratories, Mayo Clinic
Classification: Uncertain significance. Last evaluated: 2023-05-17. Review status: criteria provided, single submitter. Criteria: ACMG Guidelines, 2015. Collection method: clinical testing. Allele origin: germline. Observed: 1 variant allele.
Comment: PP2, PM2

NM_001367561.1(DOCK7):c.4688G>A (p.Ser1563Asn)

Gene: DOCK7 (dedicator of cytokinesis 7; minus strand). Cytogenetic location: 1p31.3.
Variant type: single nucleotide variant.
Coding change: c.4688G>A on transcript NM_001367561.1 (MANE Select); coding-DNA position 4688, G replaced by A.
Protein change: p.Ser1563Asn; replaces serine 1563 with asparagine.
Molecular consequence: missense variant.
Genome position (GRCh38, 1-based): chr1:62,504,706, C>T on the plus strand (G>A on the coding strand, the complement: DOCK7 is on the minus strand). VCF-style: chr1-62504706-C-T. GRCh37 (hg19) VCF-style: chr1-62970377-C-T.
Other names: p.Ser1554Asn; c.4661G>A, p.Ser1554Asn (NM_001271999.2, NM_001330614.2); c.4568G>A, p.Ser1523Asn (NM_001272000.2, NM_001272001.2); c.4595G>A, p.Ser1532Asn (NM_033407.4); short protein forms S1523N, S1532N, S1554N, S1563N.
Identifiers: ClinVar variation 2683717 (VCV002683717.1), dbSNP rs2524232846, ClinGen allele CA340617719.